The following is an entry in ClinVar:

NM_000465.4(BARD1):c.564T>G (p.Pro188=)

Gene: BARD1 (BRCA1 associated RING domain 1; minus strand). Cytogenetic location: 2q35.
Variant type: single nucleotide variant.
Coding change: c.564T>G on transcript NM_000465.4 (MANE Select); coding-DNA position 564, T replaced by G.
Protein change: p.Pro188=; no amino-acid change (proline 188 retained).
Molecular consequence: synonymous variant. On other transcripts: non-coding transcript variant (2), intron variant (3).
Genome position (GRCh38, 1-based): chr2:214,781,310, A>C on the plus strand (T>G on the coding strand, the complement: BARD1 is on the minus strand). VCF-style: chr2-214781310-A-C. GRCh37 (hg19) VCF-style: chr2-215646034-A-C.
Other names: c.507T>G, p.Pro169= (NM_001282543.2); c.158+28102T>G (NM_001282548.2); c.215+15751T>G (NM_001282545.2); c.364+10987T>G (NM_001282549.2).
Identifiers: ClinVar variation 377553 (VCV000377553.33), dbSNP rs748511245, ClinGen allele CA2090409.

ClinVar aggregate classification (germline): Benign/Likely benign. Review status: criteria provided, multiple submitters, no conflicts (2 of 4 stars). 10 submissions from 10 submitters: Benign (1); Likely benign (8). 1 of the submissions does not count toward it. Last evaluated 2026-01-05.

Conditions:
Hereditary cancer-predisposing syndrome. Also called: Tumor predisposition; Hereditary Cancer Syndrome; Hereditary neoplastic syndrome; Neoplastic Syndromes, Hereditary. Identifiers: Orphanet 140162, MedGen C0027672, MeSH D009386, MONDO:0015356.
Familial cancer of breast. Also called: Hereditary breast cancer; BREAST CANCER, FAMILIAL; hereditary breast carcinoma. Identifiers: Orphanet 227535, MedGen C0346153, MONDO:0016419, OMIM 114480. Disease mechanism: loss of function.
BARD1-related cancer predisposition. Identifiers: MedGen CN377756, MONDO:0700267.
BARD1-related disorder. Also called: BARD1-related condition.

Allele frequency attached by ClinVar (database versions not stated): gnomAD 0.00002 and 0.00003; TOPMed 0.00002; gnomAD exomes 0.00003; ExAC 0.00004.
gnomAD v4.1: 58 of 1,611,848 alleles (0.0036%); highest among the groups gnomAD compares: South Asian, 0.02%; no homozygotes.

Submissions (10):

Labcorp Genetics (formerly Invitae), Labcorp
Classification: Likely benign for Familial cancer of breast. Last evaluated: 2026-01-05. Review status: criteria provided, single submitter. Criteria: Invitae Variant Classification Sherloc (09022015). Collection method: clinical testing. Allele origin: germline.

CeGaT Center for Human Genetics Tuebingen
Classification: Likely benign. Last evaluated: 2025-10-01. Review status: criteria provided, single submitter. Criteria: CeGaT Center For Human Genetics Tuebingen Variant Classification Criteria Version 2. Collection method: clinical testing. Allele origin: germline. Affected: yes. Observed: 1 variant allele.
Comment: BARD1: BP4, BP7

Myriad Genetics, Inc.
Classification: Benign for Familial cancer of breast. Last evaluated: 2024-07-22. Review status: criteria provided, single submitter. Criteria: Myriad Autosomal Dominant, Autosomal Recessive and X-Linked Classification Criteria (2023). Collection method: clinical testing. Allele origin: unknown.
Comment: This variant is considered benign. This variant is a silent/synonymous amino acid change and it is not expected to impact splicing.

Department of Pathology and Laboratory Medicine, Sinai Health System
Classification: Likely benign for BARD1-related cancer predisposition. Last evaluated: 2024-05-08. Review status: criteria provided, single submitter. Criteria: ACMG Guidelines, 2015. Collection method: clinical testing. Allele origin: germline. Affected: no.

GeneDx
Classification: Likely benign. Last evaluated: 2021-09-27. Review status: criteria provided, single submitter. Criteria: GeneDx Variant Classification Process June 2021. Collection method: clinical testing. Allele origin: germline. Affected: yes.

Sema4
Classification: Likely benign for Hereditary cancer-predisposing syndrome. Last evaluated: 2021-06-02. Review status: criteria provided, single submitter. Criteria: Sema4 Curation Guidelines. Collection method: curation. Allele origin: germline.

Women's Health and Genetics/Laboratory Corporation of America, LabCorp
Classification: Likely benign. Last evaluated: 2019-08-21. Review status: criteria provided, single submitter. Criteria: LabCorp Variant Classification Summary - May 2015. Collection method: clinical testing. Allele origin: germline.

Color Diagnostics, LLC DBA Color Health
Classification: Likely benign for Hereditary cancer-predisposing syndrome. Last evaluated: 2017-04-04. Review status: criteria provided, single submitter. Criteria: ACMG Guidelines, 2015. Collection method: clinical testing. Allele origin: germline.

Ambry Genetics
Classification: Likely benign for Hereditary cancer-predisposing syndrome. Last evaluated: 2015-03-17. Review status: criteria provided, single submitter. Criteria: Ambry Variant Classification Scheme 2023. Collection method: clinical testing. Allele origin: germline.

PreventionGenetics, part of Exact Sciences
Classification: Likely benign for BARD1-related condition. Last evaluated: 2023-05-04. Review status: no assertion criteria provided. Collection method: clinical testing. Allele origin: germline. Not counted in ClinVar's aggregate classification.
Comment: This variant is classified as likely benign based on ACMG/AMP sequence variant interpretation guidelines (Richards et al. 2015 PMID: 25741868, with internal and published modifications).